The following is an entry in ClinVar:

NM_006005.3(WFS1):c.70C>T (p.Arg24Cys)

Gene: WFS1 (wolframin ER transmembrane glycoprotein; plus strand). Cytogenetic location: 4p16.1.
Variant type: single nucleotide variant.
Coding change: c.70C>T on transcript NM_006005.3 (MANE Select); coding-DNA position 70, C replaced by T.
Protein change: p.Arg24Cys; replaces arginine 24 with cysteine.
Molecular consequence: missense variant.
Genome position (GRCh38, 1-based): chr4:6,277,525, C>T. VCF-style: chr4-6277525-C-T. GRCh37 (hg19) VCF-style: chr4-6279252-C-T.
Other names: c.70C>T, p.Arg24Cys (NM_001145853.1); short protein forms R24C.
Identifiers: ClinVar variation 349303 (VCV000349303.8), dbSNP rs756667462, ClinGen allele CA2838789.
Genomic context (GRCh38, chr4:6,277,525, plus strand): 5'-AACACTGCTCCGCTGGGCCCCTCCTGCCCACAGCCCCCGCCAGCACCGCAGCCCCAGGCG[C>T]GTTCCCGACTCAATGCCACAGCCTCGTTGGAGCAGGAGAGGAGCGAAAGGCCCCGAGCAC-3'
Protein context (NP_005996.2, residues 14-34): QPPPAPQPQA[Arg24Cys]SRLNATASLE

ClinVar aggregate classification (germline): Uncertain significance/Uncertain risk allele. Review status: criteria provided, multiple submitters, no conflicts (2 of 4 stars). 5 submissions from 4 submitters: Uncertain significance (4); Uncertain risk allele (1). Last evaluated 2024-01-18.

Conditions:
Wolfram syndrome 1 (WFS1). Identifiers: Orphanet 3463, MedGen C4551693, MONDO:0009101, OMIM 222300.
WFS1-Related Spectrum Disorders.
Cataract 41 (CTRCT41). Also called: CATARACT 41, CONGENITAL NUCLEAR TYPE. Identifiers: Orphanet 91492, Orphanet 98991, Orphanet 98992, Orphanet 98995, MedGen C3805412, MONDO:0007287, OMIM 116400.
Autosomal dominant nonsyndromic hearing loss 6 (LFSNHL). Also called: DEAFNESS, AUTOSOMAL DOMINANT 6; DEAFNESS, AUTOSOMAL DOMINANT 14; DEAFNESS, AUTOSOMAL DOMINANT 38; Autosomal dominant nonsyndromic deafness 6. Identifiers: Orphanet 90635, MedGen C1833021, MONDO:0010963, OMIM 600965.
Type 2 diabetes mellitus. Also called: Type II diabetes mellitus. Identifiers: MedGen C0011860, MeSH D003924, MONDO:0005148, OMIM 125853, HP:0005978.
Wolfram-like syndrome. Also called: HEARING LOSS, PROGRESSIVE, WITH OPTIC ATROPHY AND/OR IMPAIRED GLUCOSE REGULATION. Identifiers: Orphanet 411590, MedGen C3280358, MONDO:0013673, OMIM 614296.

Allele frequency attached by ClinVar (database versions not stated): gnomAD exomes 0.00001; TOPMed 0.00001; ExAC 0.00007.

Submissions (5):

Fulgent Genetics
Classification: Uncertain significance for Cataract 41; Type 2 diabetes mellitus; Wolfram syndrome 1; Autosomal dominant nonsyndromic hearing loss 6; Wolfram-like syndrome. Last evaluated: 2024-01-18. Review status: criteria provided, single submitter. Criteria: ACMG Guidelines, 2015. Collection method: clinical testing. Allele origin: germline.

Blueprint Genetics
Classification: Uncertain significance. Last evaluated: 2021-11-26. Review status: criteria provided, single submitter. Criteria: ACMG Guidelines, 2015. Collection method: clinical testing. Allele origin: germline.

Illumina Laboratory Services, Illumina
Classification: Uncertain significance for WFS1-Related Spectrum Disorders. Last evaluated: 2018-01-12. Review status: criteria provided, single submitter. Criteria: ICSL Variant Classification Criteria 13 December 2019. Collection method: clinical testing. Allele origin: germline.

Illumina Laboratory Services, Illumina
Classification: Uncertain significance for Autosomal dominant nonsyndromic hearing loss 6. Last evaluated: 2018-01-12. Review status: criteria provided, single submitter. Criteria: ICSL Variant Classification Criteria 13 December 2019. Collection method: clinical testing. Allele origin: germline.

Clinical Genomics, Uppaluri K&H Personalized Medicine Clinic
Classification: Uncertain risk allele for Wolfram syndrome 1. Review status: criteria provided, single submitter. Criteria: K & H Uppaluri Personalized Medicine Clinic Variant Classification & Assertion Criteria_Updated V.1. Collection method: research. Allele origin: unknown. Inheritance: Autosomal recessive inheritance.
Comment: Potent mutations in WFS1 gene are associated with Wolfram's syndrome, an autosomal recessive condition, which cause diabetes mellitus, diabetes insipidus, deafness and optic atrophy. However no sufficient evidence is found to ascertain the role of this particular variant rs756667462 in Wolfram's syndrome yet.

Literature cited by the submitters: PubMed 20738327 (cited by Clinical Genomics, Uppaluri K&H Personalized Medicine Clinic); PubMed 33879153 (cited by Clinical Genomics, Uppaluri K&H Personalized Medicine Clinic); PubMed 12955714 (cited by Clinical Genomics, Uppaluri K&H Personalized Medicine Clinic); PubMed 18060660 (cited by Clinical Genomics, Uppaluri K&H Personalized Medicine Clinic); PubMed 20301750 (cited by Clinical Genomics, Uppaluri K&H Personalized Medicine Clinic); PubMed 17603484 (cited by Clinical Genomics, Uppaluri K&H Personalized Medicine Clinic).